The following is an entry in ClinVar:

NM_001035.3(RYR2):c.2729A>G (p.Asp910Gly)

Gene: RYR2 (ryanodine receptor 2; plus strand). Cytogenetic location: 1q43.
Variant type: single nucleotide variant.
Coding change: c.2729A>G on transcript NM_001035.3 (MANE Select); coding-DNA position 2729, A replaced by G.
Protein change: p.Asp910Gly; replaces aspartic acid 910 with glycine.
Molecular consequence: missense variant.
Genome position (GRCh38, 1-based): chr1:237,511,698, A>G. VCF-style: chr1-237511698-A-G. GRCh37 (hg19) VCF-style: chr1-237674998-A-G.
Other names: short protein forms D910G.
Identifiers: ClinVar variation 3074288 (VCV003074288.1), dbSNP rs2545965836, ClinGen allele CA345383116.

ClinVar aggregate classification (germline): Uncertain significance (1 of 4 stars; one submission).

Conditions:
Catecholaminergic polymorphic ventricular tachycardia (CVPT). Also called: Catecholamine-induced polymorphic ventricular tachycardia. Identifiers: Orphanet 3286, MedGen C5574922, MONDO:0017990.

Submission:

All of Us Research Program, National Institutes of Health
Classification: Uncertain significance for Catecholaminergic polymorphic ventricular tachycardia. Last evaluated: 2023-11-02. Review status: criteria provided, single submitter. Criteria: ACMG Guidelines, 2015. Collection method: clinical testing. Allele origin: germline. Inheritance: Autosomal dominant inheritance. Observed: 1 variant allele, 1 heterozygote.
Comment: This missense variant replaces aspartic acid with glycine at codon 910 of the RYR2 protein. Computational prediction suggests that this variant may have deleterious impact on protein structure and function (internally defined REVEL score threshold >= 0.7, PMID: 27666373). To our knowledge, functional studies have not been reported for this variant. This variant has not been reported in individuals affected with RYR2-related disorders in the literature. This variant has not been identified in the general population by the Genome Aggregation Database (gnomAD). The available evidence is insufficient to determine the role of this variant in disease conclusively. Therefore, this variant is classified as a Variant of Uncertain Significance.

This study involves interpretation of variants in research participants for the purpose of population health screening. Participant phenotype was not available at the time of variant classification. Additional details can be found in publication PMID: 35346344, PMCID: PMC8962531